The following is an entry in ClinVar:

ClinVar aggregate classification (germline): Benign/Likely benign. Review status: criteria provided, multiple submitters, no conflicts (2 of 4 stars). 4 submissions from 4 submitters: Benign (1); Likely benign (3). Last evaluated 2025-03-29.

Conditions:
Hereditary cancer-predisposing syndrome. Also called: Tumor predisposition; Hereditary Cancer Syndrome; Hereditary neoplastic syndrome; Neoplastic Syndromes, Hereditary. Identifiers: Orphanet 140162, MedGen C0027672, MeSH D009386, MONDO:0015356.
Familial cancer of breast. Also called: BREAST CANCER, FAMILIAL; Hereditary breast cancer; hereditary breast carcinoma. Identifiers: Orphanet 227535, MedGen C0346153, MONDO:0016419, OMIM 114480. Disease mechanism: loss of function.

Allele frequency attached by ClinVar (database versions not stated): gnomAD 0.00001.

Submissions (4):

Ambry Genetics
Classification: Likely benign for Hereditary cancer-predisposing syndrome. Last evaluated: 2025-03-29. Review status: criteria provided, single submitter. Criteria: Ambry Variant Classification Scheme 2023. Collection method: clinical testing. Allele origin: germline.

Myriad Genetics, Inc.
Classification: Benign for Familial cancer of breast. Last evaluated: 2024-10-07. Review status: criteria provided, single submitter. Criteria: Myriad Autosomal Dominant, Autosomal Recessive and X-Linked Classification Criteria (2023). Collection method: clinical testing. Allele origin: unknown.
Comment: This variant is considered benign. This variant is a silent/synonymous amino acid change and it is not expected to impact splicing.

Labcorp Genetics (formerly Invitae), Labcorp
Classification: Likely benign for Familial cancer of breast. Last evaluated: 2024-03-18. Review status: criteria provided, single submitter. Criteria: Invitae Variant Classification Sherloc (09022015). Collection method: clinical testing. Allele origin: germline.

Mendelics
Classification: Likely benign for Familial cancer of breast. Last evaluated: 2019-05-28. Review status: criteria provided, single submitter. Criteria: Mendelics Assertion Criteria 2017. Collection method: clinical testing. Allele origin: unknown.

NM_007194.4(CHEK2):c.1290T>C (p.His430=)

Gene: CHEK2 (checkpoint kinase 2; minus strand). Cytogenetic location: 22q12.1.
Variant type: single nucleotide variant.
Coding change: c.1290T>C on transcript NM_007194.4 (MANE Select); coding-DNA position 1290, T replaced by C.
Protein change: p.His430=; no amino-acid change (histidine 430 retained).
Molecular consequence: synonymous variant.
Genome position (GRCh38, 1-based): chr22:28,695,212, A>G on the plus strand (T>C on the coding strand, the complement: CHEK2 is on the minus strand). VCF-style: chr22-28695212-A-G. GRCh37 (hg19) VCF-style: chr22-29091200-A-G.
Other names: c.1419T>C, p.His473= (NM_001005735.3); c.627T>C, p.His209= (NM_001257387.3); c.1089T>C, p.His363= (NM_001349956.3); c.1203T>C, p.His401= (NM_145862.3).
Identifiers: ClinVar variation 184094 (VCV000184094.18), dbSNP rs373864492, ClinGen allele CA187763.
Genomic context (GRCh38, chr22:28,695,212, plus strand): 5'-TTCAGGAATGAAGTTGTATTTTCCACTGGTGATCTGATCCTTCAGTGACACTTGAGTCCT[A>G]TGCTCAGAGAAAGGTGGATACCCACTAAGGCTTAATATTGGTAGAGAGAGAAAGGAAAAG-3'
Protein context (NP_009125.1, residues 420-440): CLSGYPPFSE[His430=]RTQVSLKDQI